The following is an entry in ClinVar:

NM_006231.4(POLE):c.3150G>C (p.Lys1050Asn)

Gene: POLE (DNA polymerase epsilon, catalytic subunit; minus strand). Cytogenetic location: 12q24.33.
Variant type: single nucleotide variant.
Coding change: c.3150G>C on transcript NM_006231.4 (MANE Select); coding-DNA position 3150, G replaced by C.
Protein change: p.Lys1050Asn; replaces lysine 1050 with asparagine.
Molecular consequence: missense variant.
Genome position (GRCh38, 1-based): chr12:132,659,420, C>G on the plus strand (G>C on the coding strand, the complement: POLE is on the minus strand). VCF-style: chr12-132659420-C-G. GRCh37 (hg19) VCF-style: chr12-133236006-C-G.
Other names: c.3150G>C (NM_006231.2); short protein forms K1050N.
Identifiers: ClinVar variation 1433130 (VCV001433130.9), dbSNP rs2138677106, ClinGen allele CA387390939.

ClinVar aggregate classification (germline): Uncertain significance. Review status: criteria provided, multiple submitters, no conflicts (2 of 4 stars). 2 submissions from 2 submitters: Uncertain significance (2). Last evaluated 2024-11-01.

Conditions:
Hereditary cancer-predisposing syndrome. Also called: Hereditary Cancer Syndrome; Hereditary neoplastic syndrome; Neoplastic Syndromes, Hereditary; Tumor predisposition. Identifiers: Orphanet 140162, MedGen C0027672, MeSH D009386, MONDO:0015356.

Submissions (2):

Ambry Genetics
Classification: Uncertain significance for Hereditary cancer-predisposing syndrome. Last evaluated: 2024-11-01. Review status: criteria provided, single submitter. Criteria: Ambry Variant Classification Scheme 2023. Collection method: clinical testing. Allele origin: germline.
Comment: The p.K1050N variant (also known as c.3150G>C), located in coding exon 26 of the POLE gene, results from a G to C substitution at nucleotide position 3150. The lysine at codon 1050 is replaced by asparagine, an amino acid with similar properties. This amino acid position is conserved. In addition, this alteration is predicted to be tolerated by in silico analysis. Based on the available evidence, the clinical significance of this variant remains unclear.

Labcorp Genetics (formerly Invitae), Labcorp
Classification: Uncertain significance. Last evaluated: 2021-12-31. Review status: criteria provided, single submitter. Criteria: Invitae Variant Classification Sherloc (09022015). Collection method: clinical testing. Allele origin: germline.
Comment: In summary, the available evidence is currently insufficient to determine the role of this variant in disease. Therefore, it has been classified as a Variant of Uncertain Significance. Algorithms developed to predict the effect of missense changes on protein structure and function (SIFT, PolyPhen-2, Align-GVGD) all suggest that this variant is likely to be disruptive. This variant has not been reported in the literature in individuals affected with POLE-related conditions. This variant is not present in population databases (gnomAD no frequency). This sequence change replaces lysine, which is basic and polar, with asparagine, which is neutral and polar, at codon 1050 of the POLE protein (p.Lys1050Asn).